The following is an entry in ClinVar:

NM_002778.4(PSAP):c.779A>G (p.Gln260Arg)

Gene: PSAP (prosaposin; minus strand). Cytogenetic location: 10q22.1.
Variant type: single nucleotide variant.
Coding change: c.779A>G on transcript NM_002778.4 (MANE Select); coding-DNA position 779, A replaced by G.
Protein change: p.Gln260Arg; replaces glutamine 260 with arginine.
Molecular consequence: missense variant.
Genome position (GRCh38, 1-based): chr10:71,822,006, T>C on the plus strand (A>G on the coding strand, the complement: PSAP is on the minus strand). VCF-style: chr10-71822006-T-C. GRCh37 (hg19) VCF-style: chr10-73581763-T-C.
Other names: c.788A>G, p.Gln263Arg (NM_001042465.3); c.785A>G, p.Gln262Arg (NM_001042466.3); short protein forms Q260R, Q262R, Q263R.
Identifiers: ClinVar variation 1715807 (VCV001715807.6), dbSNP rs1842310709, ClinGen allele CA377148243.

ClinVar aggregate classification (germline): Uncertain significance (1 of 4 stars; one submission).

Conditions:
Sphingolipid activator protein 1 deficiency. Also called: METACHROMATIC LEUKODYSTROPHY DUE TO CEREBROSIDE SULFATASE ACTIVATOR DEFICIENCY; Metachromatic leukodystrophy due to saposin B deficiency; Saposin B Deficiency. Identifiers: Orphanet 512, MedGen C0268262, MONDO:0009590, OMIM 249900.

Allele frequency attached by ClinVar (database versions not stated): gnomAD exomes below 0.00001.
gnomAD v4.1: 1 of 1,614,162 alleles (0.000062%); highest among the groups gnomAD compares: South Asian, 0.0011%; no homozygotes.

Submission:

Labcorp Genetics (formerly Invitae), Labcorp
Classification: Uncertain significance for Sphingolipid activator protein 1 deficiency. Last evaluated: 2023-02-16. Review status: criteria provided, single submitter. Criteria: Invitae Variant Classification Sherloc (09022015). Collection method: clinical testing. Allele origin: germline.
Comment: An algorithm developed to predict the effect of missense changes on protein structure and function (PolyPhen-2) suggests that this variant is likely to be disruptive. This sequence change replaces glutamine, which is neutral and polar, with arginine, which is basic and polar, at codon 260 of the PSAP protein (p.Gln260Arg). This variant is not present in population databases (gnomAD no frequency). This variant has not been reported in the literature in individuals affected with PSAP-related conditions. ClinVar contains an entry for this variant (Variation ID: 1715807). In summary, the available evidence is currently insufficient to determine the role of this variant in disease. Therefore, it has been classified as a Variant of Uncertain Significance.